The following is an entry in ClinVar:

NM_001177316.2(SLC34A3):c.1796T>A (p.Leu599Ter)

Genes: SLC34A3 (solute carrier family 34 member 3; plus strand), LOC130003098 (ATAC-STARR-seq lymphoblastoid silent region 20596; plus strand). Cytogenetic location: 9q34.3.
Variant type: single nucleotide variant.
Coding change: c.1796T>A on transcript NM_001177316.2 (MANE Select); coding-DNA position 1796, T replaced by A.
Protein change: p.Leu599Ter; replaces leucine 599 with a stop codon.
Molecular consequence: nonsense.
Genome position (GRCh38, 1-based): chr9:137,236,412, T>A. VCF-style: chr9-137236412-T-A. GRCh37 (hg19) VCF-style: chr9-140130864-T-A.
Other names: c.1796T>A, p.Leu599Ter (NM_001177317.2, NM_080877.3); short protein forms L599*.
Identifiers: ClinVar variation 1705377 (VCV001705377.1), dbSNP rs2538822378, ClinGen allele CA375742678.

ClinVar aggregate classification (germline): Uncertain significance (1 of 4 stars; one submission).

Conditions:
Autosomal recessive hypophosphatemic bone disease (HHRH). Also called: Hypophosphatemic rickets with hypercalciuria; HYPERCALCIURIC RICKETS. Identifiers: Orphanet 157215, MedGen C1853271, MONDO:0009431, OMIM 241530.

Submission:

3billion
Classification: Uncertain significance for Autosomal recessive hypophosphatemic bone disease. Last evaluated: 2022-09-01. Review status: criteria provided, single submitter. Criteria: ACMG Guidelines, 2015. Collection method: clinical testing. Allele origin: germline. Affected: yes. Observed: 1 heterozygote.
Comment: The variant is not observed in the gnomAD v2.1.1 dataset. Stop-gained (nonsense) is predicted to result in a loss or disruption of normal protein function through protein truncation. The predicted truncated protein may be shortened by less than 10%. Therefore, this variant is classified as uncertain significance according to the recommendation of ACMG/AMP guideline.